The following continues an entry in ClinVar:

NM_007294.4(BRCA1):c.425C>A (p.Pro142His)

Gene: BRCA1. ClinVar aggregate classification (germline): Benign. Benign (1).

Submission 15 of 15:

Department of Pathology and Laboratory Medicine, Sinai Health System
Classification: Likely benign for Malignant tumor of breast. Review status: no assertion criteria provided. Collection method: clinical testing. Allele origin: unknown. Affected: yes. Study: The Canadian Open Genetics Repository (COGR). Not counted in ClinVar's aggregate classification.
Comment: The BRCA1 p.Pro142His variant was identified in 7 of 7460 proband chromosomes (frequency 0.001) from individuals with breast or ovarian cancer (Borg 2010, Caux-Moncoutier 2011, Tazzite 2012, Uhrhammer 2008) and was absent in 360 control chromosomes from healthy individuals (Chenevix-Trench 2006). The variant was also identified in the following databases: dbSNP (ID: rs55971303) as "With other allele", ClinVar (classified as benign by ENIGMA, Invitae, GeneDx, Ambry Genetics, SCRP; as likely benign by COGR, Michigan Medical Genetics Laboratories, University of Michigan, Integrated Genetics/Laboratory Corporation of America; as uncertain significance by BIC, and two clinical laboratories), COGR , LOVD 3.0 (11x), UMD-LSDB (7x as neutral), BIC Database (12x unknown significance), and in ARUP Laboratories (not pathogenic or of no clinical significance). The variant was not identified in Cosmic, MutDB, and Zhejiang University database. The variant was identified with a co-occurring pathogenic BRCA2 variant (c.5576_5579delTTAA, p.Ile1859LysfsX3) in UMD and in trans with a known deleterious mutation, BRCA1 c.68delAG (alias: BIC 187delAG) (Judkins 2005), increasing the likelihood that the p.Pro142His variant does not have clinical significance. The variant was identified in control databases in 25 of 276378 chromosomes at a frequency of 0.0001 (Genome Aggregation Database Feb 27, 2017). The variant was observed in the following populations: Other in 2 of 6438 chromosomes (freq: 0.0003), Latino in 9 of 34258 chromosomes (freq: 0.0003), European in 14 of 126510 chromosomes (freq: 0.0001), but not in the African, Ashkenazi Jewish, East Asian, Finnish, and South Asian populations. One functional study found that the variant abolished association of BRCA1 with Ku80 protein and failed to restore resistance to ionizing irradiation in BRCA1-deficient cells, which the authors suggested may lead to a classification of likely pathogenic (Wei 2008). However, the p.Pro142His variant was predicted neutral by in silico studies using either hierarchical or multi-factorial likelihood models (Capanu 2011, Easton 2007, Lindor 2012), and one loss-of-heterozygosity study demonstrated loss of the variant in a tumor, which further suggests that this variant is neutral (Chenevix-Trench 2006). Functional assays to assess DNA repair by both homology directed recombination (HDR) and single strand annealing (SSA) found the variant to be HDR proficient, suggesting the variant was neutral (Towler 2013). The p.Pro142 residue is not conserved in mammals and computational analyses (PolyPhen-2, SIFT, AlignGVGD, BLOSUM, MutationTaster) provide inconsistent predictions regarding the impact to the protein; this information is not very predictive of pathogenicity. The variant occurs outside of the splicing consensus sequence and in-silico or computational prediction software (SpliceSiteFinder, MaxEntScan, NNSPLICE, GeneSplicer, HumanSpliceFinder) do not predict a difference in splicing. In summary, based on the above information the clinical significance of this variant cannot be determined with certainty at this time although we would lean towards a more benign role for this variant. This variant is classified as likely benign.

Literature cited by the submitters: PubMed 21990134 (cited by Evidence-based Network for the Interpretation of Germline Mutant Alleles (ENIGMA) and Women's Health and Genetics/Laboratory Corporation of America, LabCorp); PubMed 16489001 (cited by Women's Health and Genetics/Laboratory Corporation of America, LabCorp); PubMed 22425665 (cited by Women's Health and Genetics/Laboratory Corporation of America, LabCorp); PubMed 21520273 (cited by Women's Health and Genetics/Laboratory Corporation of America, LabCorp); PubMed 17924331 (cited by Women's Health and Genetics/Laboratory Corporation of America, LabCorp); PubMed 22753008 (cited by Women's Health and Genetics/Laboratory Corporation of America, LabCorp); PubMed 15385441 (cited by Women's Health and Genetics/Laboratory Corporation of America, LabCorp); PubMed 16267036 (cited by Women's Health and Genetics/Laboratory Corporation of America, LabCorp); PubMed 21120943 (cited by Women's Health and Genetics/Laboratory Corporation of America, LabCorp); PubMed 23867111 (cited by Women's Health and Genetics/Laboratory Corporation of America, LabCorp); PubMed 20104584 (cited by Women's Health and Genetics/Laboratory Corporation of America, LabCorp); PubMed 18936166 (cited by Women's Health and Genetics/Laboratory Corporation of America, LabCorp); PubMed 16403807 (cited by Women's Health and Genetics/Laboratory Corporation of America, LabCorp); PubMed 23289006 (cited by Women's Health and Genetics/Laboratory Corporation of America, LabCorp); PubMed 18645608 (cited by Women's Health and Genetics/Laboratory Corporation of America, LabCorp); PubMed 23161852 (cited by Women's Health and Genetics/Laboratory Corporation of America, LabCorp).